The following is an entry in ClinVar:

NM_017534.6(MYH2):c.533+1G>C

Genes: MYHAS (myosin heavy chain gene cluster antisense RNA; plus strand), MYH2 (myosin heavy chain 2; minus strand), LOC126862501 (CDK7 strongly-dependent group 2 enhancer GRCh37_chr17:10446256-10447455; plus strand). Cytogenetic location: 17p13.1.
Variant type: single nucleotide variant.
Coding change: c.533+1G>C on transcript NM_017534.6 (MANE Select); the canonical splice donor site of the intron after coding-DNA position 533, G replaced by C.
Molecular consequence: splice donor variant.
Genome position (GRCh38, 1-based): chr17:10,544,099, C>G on the plus strand (G>C on the coding strand, the complement: MYH2 is on the minus strand). VCF-style: chr17-10544099-C-G. GRCh37 (hg19) VCF-style: chr17-10447416-C-G.
Other names: c.533+1G>C (NM_001100112.2).
Identifiers: ClinVar variation 4730131 (VCV004730131.1).

ClinVar aggregate classification (germline): Likely pathogenic (1 of 4 stars; one submission).

Conditions:
Myopathy, proximal, and ophthalmoplegia (CMYO6). Also called: MYOPATHY WITH CONGENITAL JOINT CONTRACTURES, OPHTHALMOPLEGIA, AND RIMMED VACUOLES; CONGENITAL MYOPATHY 6 WITH OPHTHALMOPLEGIA; INCLUSION BODY MYOPATHY 3, AUTOSOMAL DOMINANT. Identifiers: Orphanet 363677, Orphanet 79091, MedGen C1854106, MONDO:0011577, OMIM 605637.

Submission:

Labcorp Genetics (formerly Invitae), Labcorp
Classification: Likely pathogenic for Myopathy, proximal, and ophthalmoplegia. Last evaluated: 2025-10-29. Review status: criteria provided, single submitter. Criteria: Invitae Variant Classification Sherloc (09022015). Collection method: clinical testing. Allele origin: germline.
Comment: This sequence change affects a donor splice site in intron 6 of the MYH2 gene. It is expected to disrupt RNA splicing. Variants that disrupt the donor or acceptor splice site typically lead to a loss of protein function (PMID: 16199547), and loss-of-function variants in MYH2 are known to be pathogenic (PMID: 20418530, 23388406, 24193343). This variant is not present in population databases (gnomAD no frequency). This variant has not been reported in the literature in individuals affected with MYH2-related conditions. Algorithms developed to predict the effect of sequence changes on RNA splicing suggest that this variant may disrupt the consensus splice site. In summary, the currently available evidence indicates that the variant is pathogenic, but additional data are needed to prove that conclusively. Therefore, this variant has been classified as Likely Pathogenic.

Literature cited by the submitters: PubMed 16199547; PubMed 20418530; PubMed 23388406; PubMed 24193343.